The following is an entry in ClinVar:

NM_001182.5(ALDH7A1):c.494G>T (p.Gly165Val)

Gene: ALDH7A1 (aldehyde dehydrogenase 7 family member A1; minus strand). Cytogenetic location: 5q23.2.
Variant type: single nucleotide variant.
Coding change: c.494G>T on transcript NM_001182.5 (MANE Select); coding-DNA position 494, G replaced by T.
Protein change: p.Gly165Val; replaces glycine 165 with valine.
Molecular consequence: missense variant.
Genome position (GRCh38, 1-based): chr5:126,582,874, C>A on the plus strand (G>T on the coding strand, the complement: ALDH7A1 is on the minus strand). VCF-style: chr5-126582874-C-A. GRCh37 (hg19) VCF-style: chr5-125918566-C-A.
Other names: c.410G>T, p.Gly137Val (NM_001201377.2); c.494G>T, p.Gly165Val (NM_001202404.2); short protein forms G137V, G165V.
Identifiers: ClinVar variation 847168 (VCV000847168.15), dbSNP rs375491094, ClinGen allele CA126915148.

ClinVar aggregate classification (germline): Conflicting classifications of pathogenicity. Review status: criteria provided, conflicting classifications (1 of 4 stars). 4 submissions from 4 submitters: Pathogenic (1); Likely pathogenic (2); Uncertain significance (1). Last evaluated 2026-07-01.

Conditions:
Pyridoxine-dependent epilepsy (EPEO4). Also called: Pyridoxine-Dependent Epilepsy - ALDH7A1; EPILEPSY, EARLY-ONSET, 4, VITAMIN B6-DEPENDENT; Pyridoxine-Dependent Seizures; PYRIDOXINE DEPENDENCY WITH SEIZURES. Identifiers: Orphanet 3006, MedGen C1849508, MONDO:0009945, OMIM 266100. Disease mechanism: loss of function.

Allele frequency attached by ClinVar (database versions not stated): TOPMed 0.00001.
gnomAD v4.1: 7 of 1,612,618 alleles (0.00043%); highest among the groups gnomAD compares: African/African-American, 0.0094%; no homozygotes.

Submissions (4):

GeneDx
Classification: Likely pathogenic. Last evaluated: 2026-07-01. Review status: criteria provided, single submitter. Criteria: GeneDx Variant Classification Process June 2021. Collection method: clinical testing. Allele origin: germline.
Comment: Published functional studies demonstrate a damaging effect: G165V was catalytically inactive and incapable of forming tetramers (PMID: 28087462); In silico analysis supports that this missense variant has a deleterious effect on protein structure/function; This variant is associated with the following publications: (PMID: 32956737, 30043187, 19142996, 28087462)

Women's Health and Genetics/Laboratory Corporation of America, LabCorp
Classification: Likely pathogenic for Pyridoxine-dependent epilepsy. Last evaluated: 2024-12-26. Review status: criteria provided, single submitter. Criteria: LabCorp Variant Classification Summary - May 2015. Collection method: clinical testing. Allele origin: germline.
Comment: Variant summary: ALDH7A1 c.494G>T (p.Gly165Val) results in a non-conservative amino acid change located in the Aldehyde dehydrogenase domain (IPR015590) of the encoded protein sequence. This variant is also known as G137V in the literature. Three of five in-silico tools predict a benign effect of the variant on protein function. The variant was absent in 251418 control chromosomes (gnomAD). c.494G>T has been reported in at-least one compound heterozygous individual reportedly affected with Folinic Acid Responsive Seizures (e.g. Gallagher_2009). At least one publication reports experimental evidence evaluating an impact on protein function (Korasick_2017). In this study the variant abolished catalytic activity and impaired protein assembly. The following publications have been ascertained in the context of this evaluation (PMID: 19142996, 28087462). ClinVar contains an entry for this variant (Variation ID: 847168). Based on the evidence outlined above, the variant was classified as likely pathogenic.

Labcorp Genetics (formerly Invitae), Labcorp
Classification: Uncertain significance for Pyridoxine-dependent epilepsy. Last evaluated: 2024-04-24. Review status: criteria provided, single submitter. Criteria: Invitae Variant Classification Sherloc (09022015). Collection method: clinical testing. Allele origin: germline.
Comment: This sequence change replaces glycine, which is neutral and non-polar, with valine, which is neutral and non-polar, at codon 165 of the ALDH7A1 protein (p.Gly165Val). This variant is present in population databases (no rsID available, gnomAD 0.02%). This missense change has been observed in individual(s) with folinic acid-responsive seizures (PMID: 19142996). This variant is also known as p.Gly137Val. ClinVar contains an entry for this variant (Variation ID: 847168). Advanced modeling of protein sequence and biophysical properties (such as structural, functional, and spatial information, amino acid conservation, physicochemical variation, residue mobility, and thermodynamic stability) performed at Invitae indicates that this missense variant is expected to disrupt ALDH7A1 protein function with a positive predictive value of 80%. Experimental studies have shown that this missense change affects ALDH7A1 function (PMID: 19142996). Algorithms developed to predict the effect of sequence changes on RNA splicing suggest that this variant may disrupt the consensus splice site. In summary, the available evidence is currently insufficient to determine the role of this variant in disease. Therefore, it has been classified as a Variant of Uncertain Significance.

Institute of Medical Genetics and Applied Genomics, University Hospital Tübingen
Classification: Pathogenic. Last evaluated: 2020-10-23. Review status: criteria provided, single submitter. Criteria: ACMG Guidelines, 2015. Collection method: clinical testing. Allele origin: germline. Inheritance: Unknown mechanism. Affected: yes.

Literature cited by the submitters: PubMed 19142996 (cited by Women's Health and Genetics/Laboratory Corporation of America, LabCorp and Labcorp Genetics (formerly Invitae), Labcorp); PubMed 28087462 (cited by Women's Health and Genetics/Laboratory Corporation of America, LabCorp).